The following is an entry in ClinVar:

NM_004260.4(RECQL4):c.1127A>G (p.Lys376Arg)

Gene: RECQL4 (RecQ like helicase 4; minus strand). Cytogenetic location: 8q24.3.
Variant type: single nucleotide variant.
Coding change: c.1127A>G on transcript NM_004260.4 (MANE Select); coding-DNA position 1127, A replaced by G.
Protein change: p.Lys376Arg; replaces lysine 376 with arginine.
Molecular consequence: missense variant.
Genome position (GRCh38, 1-based): chr8:144,515,992, T>C on the plus strand (A>G on the coding strand, the complement: RECQL4 is on the minus strand). VCF-style: chr8-144515992-T-C. GRCh37 (hg19) VCF-style: chr8-145741376-T-C.
Other names: c.1127A>G (NM_004260.3); short protein forms K376R.
Identifiers: ClinVar variation 1044824 (VCV001044824.3), dbSNP rs375459768, ClinGen allele CA4949061.

ClinVar aggregate classification (germline): Uncertain significance. Review status: criteria provided, multiple submitters, no conflicts (2 of 4 stars). 2 submissions from 2 submitters: Uncertain significance (2). Last evaluated 2025-02-07.

Conditions:
Inborn genetic diseases. Identifiers: MedGen C0950123, MeSH D030342.
Baller-Gerold syndrome (BGS). Also called: CRANIOSYNOSTOSIS WITH RADIAL DEFECTS. Identifiers: Orphanet 1225, MedGen C0265308, MONDO:0009039, OMIM 218600.

Allele frequency attached by ClinVar (database versions not stated): ExAC below 0.00001; gnomAD 0.00001; gnomAD exomes 0.00001; TOPMed 0.00001; ESP Exome Variant Server 0.00008.

Submissions (2):

Ambry Genetics
Classification: Uncertain significance for Inborn genetic diseases. Last evaluated: 2025-02-07. Review status: criteria provided, single submitter. Criteria: Ambry Variant Classification Scheme 2023. Collection method: clinical testing. Allele origin: germline.
Comment: The p.K376R variant (also known as c.1127A>G), located in coding exon 5 of the RECQL4 gene, results from an A to G substitution at nucleotide position 1127. The lysine at codon 376 is replaced by arginine, an amino acid with highly similar properties. This amino acid position is conserved. In addition, this alteration is predicted to be tolerated by in silico analysis. Based on the available evidence, the clinical significance of this variant remains unclear.

Labcorp Genetics (formerly Invitae), Labcorp
Classification: Uncertain significance for Baller-Gerold syndrome. Last evaluated: 2022-08-09. Review status: criteria provided, single submitter. Criteria: Invitae Variant Classification Sherloc (09022015). Collection method: clinical testing. Allele origin: germline.
Comment: This sequence change replaces lysine, which is basic and polar, with arginine, which is basic and polar, at codon 376 of the RECQL4 protein (p.Lys376Arg). This variant is not present in population databases (gnomAD no frequency). This variant has not been reported in the literature in individuals affected with RECQL4-related conditions. ClinVar contains an entry for this variant (Variation ID: 1044824). Algorithms developed to predict the effect of missense changes on protein structure and function output the following: SIFT: "Not Available"; PolyPhen-2: "Not Available"; Align-GVGD: "Not Available". The arginine amino acid residue is found in multiple mammalian species, which suggests that this missense change does not adversely affect protein function. In summary, the available evidence is currently insufficient to determine the role of this variant in disease. Therefore, it has been classified as a Variant of Uncertain Significance.